The following is an entry in ClinVar:

NM_001355436.2(SPTB):c.1268del (p.Leu423fs)

Gene: SPTB (spectrin beta, erythrocytic; minus strand). Cytogenetic location: 14q23.3.
Variant type: Deletion.
Coding change: c.1268del on transcript NM_001355436.2 (MANE Select); coding-DNA position 1268, one base deleted (T; older notation c.1268delT).
Protein change: p.Leu423fs; shifts the reading frame from leucine 423.
Molecular consequence: frameshift variant.
Genome position (GRCh38, 1-based): chr14:64,796,630, A deleted on the plus strand (T on the coding strand, the reverse complement: SPTB is on the minus strand). VCF-style (leftmost placement, unchanged base first): chr14-64796629-CA-C. GRCh37 (hg19) VCF-style: chr14-65263347-CA-C.
Other names: c.1268del, p.Leu423fs (NM_001024858.4, NM_001355437.2); short protein forms L423fs.
Identifiers: ClinVar variation 5000605 (VCV005000605.1).
Genomic context (GRCh38, chr14:64,796,629, plus strand): 5'-GCGCTGGTTTTCACTGAGCCAGGTCTCTCTCATTGCGGCCTTCCGGTCAAAGCGCCGGGC[CA>C]GTTGCTCTAGCTTCTCCTGCCGAATGAGCTCATTTCTCAGGGCCAGCTCCCGCCGATACT-3'

ClinVar aggregate classification (germline): Likely pathogenic (1 of 4 stars; one submission).

Conditions:
SPTB-related disorder. Also called: SPTB-Related Disorders; SPTB-related condition.

Submission:

PreventionGenetics, part of Exact Sciences
Classification: Likely pathogenic for SPTB-related condition. Last evaluated: 2025-03-12. Review status: criteria provided, single submitter. Criteria: ACMG Guidelines, 2015. Collection method: clinical testing. Allele origin: germline.
Comment: The SPTB c.1268delT variant is predicted to result in a frameshift and premature protein termination (p.Leu423Argfs*11). To our knowledge, this variant has not been reported in the literature or in a large population database (gnomAD), indicating this variant is rare. Frameshift variants in SPTB are expected to be pathogenic. This variant is interpreted as likely pathogenic.